The following is an entry in ClinVar:

ClinVar aggregate classification (germline): Uncertain significance (1 of 4 stars; one submission).

Allele frequency attached by ClinVar (database versions not stated): ExAC 0.00002; gnomAD 0.00001; ESP Exome Variant Server 0.00008; gnomAD exomes 0.00001; TOPMed 0.00003.
gnomAD v4.1: 4 of 1,613,382 alleles (0.00025%); highest among the groups gnomAD compares: African/African-American, 0.0053%; no homozygotes.

Submission:

Labcorp Genetics (formerly Invitae), Labcorp
Classification: Uncertain significance. Last evaluated: 2022-02-02. Review status: criteria provided, single submitter. Criteria: Invitae Variant Classification Sherloc (09022015). Collection method: clinical testing. Allele origin: germline.
Comment: Algorithms developed to predict the effect of missense changes on protein structure and function are either unavailable or do not agree on the potential impact of this missense change (SIFT: "Deleterious"; PolyPhen-2: "Probably Damaging"; Align-GVGD: "Class C0"). This sequence change replaces proline, which is neutral and non-polar, with arginine, which is basic and polar, at codon 227 of the ATF6 protein (p.Pro227Arg). This variant is present in population databases (rs146056942, gnomAD 0.01%). This variant has not been reported in the literature in individuals affected with ATF6-related conditions. In summary, the available evidence is currently insufficient to determine the role of this variant in disease. Therefore, it has been classified as a Variant of Uncertain Significance.

NM_007348.4(ATF6):c.680C>G (p.Pro227Arg)

Gene: ATF6 (activating transcription factor 6; plus strand). Cytogenetic location: 1q23.3.
Variant type: single nucleotide variant.
Coding change: c.680C>G on transcript NM_007348.4 (MANE Select); coding-DNA position 680, C replaced by G.
Protein change: p.Pro227Arg; replaces proline 227 with arginine.
Molecular consequence: missense variant.
Genome position (GRCh38, 1-based): chr1:161,792,319, C>G. VCF-style: chr1-161792319-C-G. GRCh37 (hg19) VCF-style: chr1-161762109-C-G.
Other names: short protein forms P227R.
Identifiers: ClinVar variation 1507411 (VCV001507411.7), dbSNP rs146056942, ClinGen allele CA1214258.